The following is an entry in ClinVar:

NM_000069.3(CACNA1S):c.3101T>C (p.Ile1034Thr)

Gene: CACNA1S (calcium voltage-gated channel subunit alpha1 S; minus strand). Cytogenetic location: 1q32.1.
Variant type: single nucleotide variant.
Coding change: c.3101T>C on transcript NM_000069.3 (MANE Select); coding-DNA position 3101, T replaced by C.
Protein change: p.Ile1034Thr; replaces isoleucine 1034 with threonine.
Molecular consequence: missense variant.
Genome position (GRCh38, 1-based): chr1:201,061,421, A>G on the plus strand (T>C on the coding strand, the complement: CACNA1S is on the minus strand). VCF-style: chr1-201061421-A-G. GRCh37 (hg19) VCF-style: chr1-201030549-A-G.
Other names: short protein forms I1034T.
Identifiers: ClinVar variation 4759069 (VCV004759069.1).
Genomic context (GRCh38, chr1:201,061,421, plus strand): 5'-AAGGCAATGAGGATGATGTAGATGATGAAGAAGATGGCCATCTCCACACGGTTGTTGTAG[A>G]TGGGACCCACGTCCTCCGCATTGGAGTCTATGGCCTTGTACAGCAGCCTGGGGGTGGGCA-3'
Protein context (NP_000060.2, residues 1024-1044): IDSNAEDVGP[Ile1034Thr]YNNRVEMAIF

ClinVar aggregate classification (germline): Uncertain significance (1 of 4 stars; one submission).

Conditions:
Malignant hyperthermia, susceptibility to, 5 (MHS5). Also called: CACNA1S-Related Malignant Hyperthermia Susceptibility. Identifiers: Orphanet 423, MedGen C1866077, MONDO:0011163, OMIM 601887.

gnomAD v4.1: 1 of 1,614,244 alleles (0.000062%); highest among the groups gnomAD compares: Non-Finnish European, 0.000085%; no homozygotes.

Submission:

Color Diagnostics, LLC DBA Color Health
Classification: Uncertain significance for Malignant hyperthermia, susceptibility to, 5. Last evaluated: 2025-07-17. Review status: criteria provided, single submitter. Criteria: ACMG Guidelines, 2015. Collection method: clinical testing. Allele origin: germline.
Comment: This missense variant replaces isoleucine with threonine at codon 1034 of the CACNA1S protein. Computational prediction is inconclusive regarding the impact of this variant on protein structure and function. To our knowledge, functional studies have not been reported for this variant. This variant has not been reported in individuals affected with CACNA1S-related disorders in the literature. This variant has not been identified in the general population by the Genome Aggregation Database (gnomAD). The available evidence is insufficient to determine the role of this variant in disease conclusively. Therefore, this variant is classified as a Variant of Uncertain Significance.